The following is an entry in ClinVar:

ClinVar aggregate classification (germline): Uncertain significance (1 of 4 stars; one submission).

gnomAD v4.1: 3 of 1,614,078 alleles (0.00019%); highest among the groups gnomAD compares: South Asian, 0.0022%; no homozygotes.

Submission:

GeneDx
Classification: Uncertain significance. Last evaluated: 2023-01-16. Review status: criteria provided, single submitter. Criteria: GeneDx Variant Classification Process June 2021. Collection method: clinical testing. Allele origin: germline. Affected: yes.
Comment: Not observed at significant frequency in large population cohorts (gnomAD); In silico analysis supports that this missense variant has a deleterious effect on protein structure/function; Has not been previously published as pathogenic or benign to our knowledge

NM_031448.6(C19orf12):c.244C>T (p.Pro82Ser)

Gene: C19orf12 (chromosome 19 open reading frame 12; minus strand). Cytogenetic location: 19q12.
Variant type: single nucleotide variant.
Coding change: c.244C>T on transcript NM_031448.6 (MANE Select); coding-DNA position 244, C replaced by T.
Protein change: p.Pro82Ser; replaces proline 82 with serine.
Molecular consequence: missense variant.
Genome position (GRCh38, 1-based): chr19:29,702,894, G>A on the plus strand (C>T on the coding strand, the complement: C19orf12 is on the minus strand). VCF-style: chr19-29702894-G-A. GRCh37 (hg19) VCF-style: chr19-30193801-G-A.
Other names: c.244C>T, p.Pro82Ser (NM_001031726.4, NM_001256046.3, NM_001256047.2); c.52C>T, p.Pro18Ser (NM_001282929.1, NM_001282930.3, NM_001282931.3); short protein forms P18S, P82S.
Identifiers: ClinVar variation 2572716 (VCV002572716.1), dbSNP rs574975743, ClinGen allele CA405143130.